The following is an entry in ClinVar:

NM_000388.4(CASR):c.1744T>A (p.Cys582Ser)

Gene: CASR (calcium sensing receptor; plus strand). Cytogenetic location: 3q21.1.
Variant type: single nucleotide variant.
Coding change: c.1744T>A on transcript NM_000388.4 (MANE Select); coding-DNA position 1744, T replaced by A.
Protein change: p.Cys582Ser; replaces cysteine 582 with serine.
Molecular consequence: missense variant.
Genome position (GRCh38, 1-based): chr3:122,283,698, T>A. VCF-style: chr3-122283698-T-A. GRCh37 (hg19) VCF-style: chr3-122002545-T-A.
Other names: c.1774T>A, p.Cys592Ser (NM_001178065.2); short protein forms C592S, C582S.
Identifiers: ClinVar variation 853442 (VCV000853442.11), dbSNP rs2074920676, ClinGen allele CA354157111.

ClinVar aggregate classification (germline): Likely pathogenic. Review status: criteria provided, multiple submitters, no conflicts (2 of 4 stars). 2 submissions from 2 submitters: Likely pathogenic (2). Last evaluated 2023-05-19.

Conditions:
Autosomal dominant hypocalcemia 1 (HYPOC1). Also called: HYPOCALCEMIA, FAMILIAL. Identifiers: MedGen C3715128, MONDO:0011013, OMIM 601198.
Familial hypocalciuric hypercalcemia (FHH). Also called: Familial benign hypercalcemia. Identifiers: Orphanet 405, MedGen C1809471, MONDO:0018458.

Submissions (2):

GeneDx
Classification: Likely pathogenic. Last evaluated: 2023-05-19. Review status: criteria provided, single submitter. Criteria: GeneDx Variant Classification Process June 2021. Collection method: clinical testing. Allele origin: germline. Affected: yes.
Comment: Has not been previously reported in peer-reviewed literature as pathogenic or benign to our knowledge. However, in an abstract by Bushman and Banka (2020), this variant was reported in the heterozygous state in a patient with features of familial hypocalciuric hypercalcemia; Not observed at significant frequency in large population cohorts (gnomAD); In silico analysis supports that this missense variant has a deleterious effect on protein structure/function; This variant is associated with the following publications: (PMID: Bushman[abstract]2020, 8675635, 19389809, 33748353)

Labcorp Genetics (formerly Invitae), Labcorp
Classification: Likely pathogenic for Familial hypocalciuric hypercalcemia; Autosomal dominant hypocalcemia 1. Last evaluated: 2019-11-29. Review status: criteria provided, single submitter. Criteria: Invitae Variant Classification Sherloc (09022015). Collection method: clinical testing. Allele origin: germline.
Comment: In summary, the currently available evidence indicates that the variant is pathogenic, but additional data are needed to prove that conclusively. Therefore, this variant has been classified as Likely Pathogenic. This variant disrupts the p.Cys582 amino acid residue in CASR. Other variant(s) that disrupt this residue have been determined to be pathogenic (PMID: 17698911, 19389809). This suggests that this residue is clinically significant, and that variants that disrupt this residue are likely to be disease-causing. Advanced modeling of protein sequence and biophysical properties (such as structural, functional, and spatial information, amino acid conservation, physicochemical variation, residue mobility, and thermodynamic stability) performed at Invitae indicates that this missense variant is expected to disrupt CASR protein function. This variant has been observed in individual(s) with familial hypocalciuric hypercalcemia (Invitae). This variant is not present in population databases (ExAC no frequency). This sequence change replaces cysteine with serine at codon 582 of the CASR protein (p.Cys582Ser). The cysteine residue is highly conserved and there is a moderate physicochemical difference between cysteine and serine.

Literature cited by the submitters: PubMed 17698911 (cited by Labcorp Genetics (formerly Invitae), Labcorp); PubMed 19389809 (cited by Labcorp Genetics (formerly Invitae), Labcorp).